The following is an entry in ClinVar:

NM_000051.4(ATM):c.1236-27_1236-18del

Gene: ATM (ATM serine/threonine kinase; plus strand). Cytogenetic location: 11q22.3.
Variant type: Deletion.
Coding change: c.1236-27_1236-18del on transcript NM_000051.4 (MANE Select); 27 bases into the intron before coding-DNA position 1236 through 18 bases into the intron before coding-DNA position 1236, 10 bases deleted (CAAATTATCC; older notation c.1236-27_1236-18delCAAATTATCC).
Molecular consequence: intron variant.
Genome position (GRCh38, 1-based): chr11:108,250,674-108,250,683, CAAATTATCC deleted. VCF-style (leftmost placement, unchanged base first): chr11-108250673-TCAAATTATCC-T. GRCh37 (hg19) VCF-style: chr11-108121400-TCAAATTATCC-T.
Other names: c.1236-27_1236-18del (NM_001351834.2).
Identifiers: ClinVar variation 3253768 (VCV003253768.1), dbSNP rs2497235782.
Genomic context (GRCh38, chr11:108,250,673, plus strand): 5'-ATTGTAAGAGTACCATGTCTATATATTTCCTTTTAGTTTGTTAATGTGATGGAATAGTTT[TCAAATTATCC>T]TTTTTTTTTTTTTTTAGGCTACAGATTGCAACCCAATTAATATCAAAGTATCCTGCAAGT-3'

ClinVar aggregate classification (germline): Likely benign (1 of 4 stars; one submission).

Conditions:
Familial cancer of breast. Also called: BREAST CANCER, FAMILIAL; Hereditary breast cancer; hereditary breast carcinoma. Identifiers: Orphanet 227535, MedGen C0346153, MONDO:0016419, OMIM 114480. Disease mechanism: loss of function.

Submission:

Myriad Genetics, Inc.
Classification: Likely benign for Familial cancer of breast. Last evaluated: 2024-04-25. Review status: criteria provided, single submitter. Criteria: Myriad Autosomal Dominant, Autosomal Recessive and X-Linked Classification Criteria (2023). Collection method: clinical testing. Allele origin: unknown.
Comment: This variant is considered likely benign. This variant is intronic and is not expected to impact mRNA splicing.